The following is an entry in ClinVar:

ClinVar aggregate classification (germline): Conflicting classifications of pathogenicity. Review status: criteria provided, conflicting classifications (1 of 4 stars). 10 submissions from 10 submitters: Uncertain significance (1); Benign (2); Likely benign (6). 1 of the submissions does not count toward it. Last evaluated 2026-03-01.

Conditions:
Neuropathy, hereditary sensory and autonomic, type 2A (HSAN2A). Also called: MORVAN DISEASE; NEUROPATHY, CONGENITAL SENSORY; NEUROPATHY, HEREDITARY SENSORY RADICULAR, AUTOSOMAL RECESSIVE; NEUROPATHY, HEREDITARY SENSORY, TYPE IIA; NEUROPATHY, PROGRESSIVE SENSORY, OF CHILDREN; ACROOSTEOLYSIS, GIACCAI TYPE. Identifiers: Orphanet 970, MedGen C2752089, MONDO:0024309, OMIM 201300.
Pseudohypoaldosteronism type 2C (PHA2C). Also called: Pseudohypoaldosteronism Type IIC. Identifiers: Orphanet 757, Orphanet 88940, MedGen C1840391, MONDO:0013778, OMIM 614492.
WNK1-related disorder. Also called: WNK1-related condition.
Inborn genetic diseases. Identifiers: MedGen C0950123, MeSH D030342.

Allele frequency attached by ClinVar (database versions not stated): TOPMed 0.00056; ExAC 0.00063; gnomAD exomes 0.00075 and 0.00047; ESP Exome Variant Server 0.00092; gnomAD 0.00050.
gnomAD v4.1: 799 of 1,614,054 alleles (0.05%); highest among the groups gnomAD compares: Middle Eastern, 0.28%; 2 homozygotes.

Submissions (10):

CeGaT Center for Human Genetics Tuebingen
Classification: Likely benign. Last evaluated: 2026-03-01. Review status: criteria provided, single submitter. Criteria: CeGaT Center For Human Genetics Tuebingen Variant Classification Criteria Version 2. Collection method: clinical testing. Allele origin: germline. Affected: yes. Observed: 1 variant allele.
Comment: WNK1: BP4, BS1

Labcorp Genetics (formerly Invitae), Labcorp
Classification: Benign for Neuropathy, hereditary sensory and autonomic, type 2A; Pseudohypoaldosteronism type 2C. Last evaluated: 2026-01-12. Review status: criteria provided, single submitter. Criteria: Invitae Variant Classification Sherloc (09022015). Collection method: clinical testing. Allele origin: germline.

Mayo Clinic Laboratories, Mayo Clinic
Classification: Likely benign. Last evaluated: 2025-10-10. Review status: criteria provided, single submitter. Criteria: ACMG Guidelines, 2015. Collection method: clinical testing. Allele origin: germline. Observed: 4 variant alleles.
Comment: BA1, BP4_moderate

Genomic Medicine Center of Excellence, King Faisal Specialist Hospital and Research Centre
Classification: Likely benign. Last evaluated: 2025-08-18. Review status: criteria provided, single submitter. Criteria: ACMG Guidelines, 2015. Collection method: clinical testing. Allele origin: germline.

Blueprint Genetics
Classification: Uncertain significance. Last evaluated: 2024-11-07. Review status: criteria provided, single submitter. Criteria: ACMG Guidelines, 2015. Collection method: clinical testing. Allele origin: germline.

Ambry Genetics
Classification: Likely benign for Inborn genetic diseases. Last evaluated: 2020-05-15. Review status: criteria provided, single submitter. Criteria: Ambry Variant Classification Scheme 2023. Collection method: clinical testing. Allele origin: germline.

Eurofins Ntd Llc (ga)
Classification: Likely benign. Last evaluated: 2018-04-05. Review status: criteria provided, single submitter. Criteria: EGL ClinVar v180209 classification definitions. Collection method: clinical testing. Allele origin: germline. Observed: 1 variant allele, 1 heterozygote.

Illumina Laboratory Services, Illumina
Classification: Benign for Pseudohypoaldosteronism type 2C. Last evaluated: 2018-01-13. Review status: criteria provided, single submitter. Criteria: ICSL Variant Classification Criteria 13 December 2019. Collection method: clinical testing. Allele origin: germline.
Comment: This variant was observed in the ICSL laboratory as part of a predisposition screen in an ostensibly healthy population. It had not been previously curated by ICSL or reported in the Human Gene Mutation Database (HGMD: prior to June 1st, 2018), and was therefore a candidate for classification through an automated scoring system. Utilizing variant allele frequency, disease prevalence and penetrance estimates, and inheritance mode, an automated score was calculated to assess if this variant is too frequent to cause the disease. Based on the score and internal cut-off values, a variant classified as benign is not then subjected to further curation. The score for this variant resulted in a classification of benign for this disease.

Breakthrough Genomics
Classification: Likely benign. Review status: criteria provided, single submitter. Criteria: ACMG Guidelines, 2015. Collection method: not provided. Allele origin: germline. Inheritance: Autosomal recessive inheritance. Affected: yes.

PreventionGenetics, part of Exact Sciences
Classification: Likely benign for WNK1-related condition. Last evaluated: 2024-05-29. Review status: no assertion criteria provided. Collection method: clinical testing. Allele origin: germline. Not counted in ClinVar's aggregate classification.
Comment: This variant is classified as likely benign based on ACMG/AMP sequence variant interpretation guidelines (Richards et al. 2015 PMID: 25741868, with internal and published modifications).

NM_018979.4(WNK1):c.2336C>T (p.Ala779Val)

Gene: WNK1 (WNK lysine deficient protein kinase 1; plus strand). Cytogenetic location: 12p13.33.
Variant type: single nucleotide variant.
Coding change: c.2336C>T on transcript NM_018979.4 (MANE Select); coding-DNA position 2336, C replaced by T.
Protein change: p.Ala779Val; replaces alanine 779 with valine.
Molecular consequence: missense variant.
Genome position (GRCh38, 1-based): chr12:878,324, C>T. VCF-style: chr12-878324-C-T. GRCh37 (hg19) VCF-style: chr12-987490-C-T.
Other names: p.Ala1277Val; c.3575C>T (NM_001184985.1); c.3575C>T, p.Ala1192Val (NM_001184985.2); c.2333C>T, p.Ala778Val (NM_014823.3); c.3830C>T, p.Ala1277Val (NM_213655.5); short protein forms A1277V, A779V, A1192V, A778V.
Identifiers: ClinVar variation 310748 (VCV000310748.30), dbSNP rs141428612, ClinGen allele CA6382446.
Genomic context (GRCh38, chr12:878,324, plus strand): 5'-TTTCACAGACATCAACCTCCAGTGAGGCCACTACTGCACAGCCAGTGAGTCAGCCTCAAG[C>T]TCCACAAGTCTTGCCTCAAGTATCAGCTGGAAAACAGGTAAACTTTTTTTTTTTTTTTAA-3'
Protein context (NP_061852.3, residues 769-789): TTAQPVSQPQ[Ala779Val]PQVLPQVSAG